The following is an entry in ClinVar:

ClinVar aggregate classification (germline): Conflicting classifications of pathogenicity. Review status: criteria provided, conflicting classifications (1 of 4 stars). 3 submissions from 3 submitters: Uncertain significance (2); Likely benign (1). Last evaluated 2025-11-17.

Conditions:
Inborn genetic diseases. Identifiers: MedGen C0950123, MeSH D030342.
Menkes kinky-hair syndrome (MNK). Also called: Classic Menkes Disease; Copper transport disease; Menkes Disease. Identifiers: Orphanet 565, MedGen C0022716, MONDO:0010651, OMIM 309400.
X-linked distal spinal muscular atrophy type 3. Also called: NEURONOPATHY, DISTAL HEREDITARY MOTOR, X-LINKED; NEUROPATHY, DISTAL HEREDITARY MOTOR, X-LINKED; ATP7A-Related Distal Motor Neuropathy; SPINAL MUSCULAR ATROPHY, DISTAL, X-LINKED RECESSIVE. Identifiers: Orphanet 139557, MedGen C1845359, MONDO:0010338, OMIM 300489.
Cutis laxa, X-linked (OHS). Also called: EDS IX; Occipital horn syndrome. Identifiers: Orphanet 198, MedGen C0268353, MONDO:0010572, OMIM 304150.

Allele frequency attached by ClinVar (database versions not stated): TOPMed below 0.00001; gnomAD 0.00001 and 0.00002; gnomAD exomes 0.00001.
gnomAD v4.1: 8 of 1,210,014 alleles (0.00066%); highest among the groups gnomAD compares: South Asian, 0.0088%; no homozygotes.

Submissions (3):

Labcorp Genetics (formerly Invitae), Labcorp
Classification: Uncertain significance for X-linked distal spinal muscular atrophy type 3; Cutis laxa, X-linked; Menkes kinky-hair syndrome. Last evaluated: 2025-11-17. Review status: criteria provided, single submitter. Criteria: Invitae Variant Classification Sherloc (09022015). Collection method: clinical testing. Allele origin: germline.
Comment: This sequence change replaces serine, which is neutral and polar, with leucine, which is neutral and non-polar, at codon 459 of the ATP7A protein (p.Ser459Leu). This variant is not present in population databases (gnomAD no frequency). This variant has not been reported in the literature in individuals affected with ATP7A-related conditions. ClinVar contains an entry for this variant (Variation ID: 1517336). Invitae Evidence Modeling of protein sequence and biophysical properties (such as structural, functional, and spatial information, amino acid conservation, physicochemical variation, residue mobility, and thermodynamic stability) indicates that this missense variant is not expected to disrupt ATP7A protein function with a negative predictive value of 95%. In summary, the available evidence is currently insufficient to determine the role of this variant in disease. Therefore, it has been classified as a Variant of Uncertain Significance.

Ambry Genetics
Classification: Likely benign for Inborn genetic diseases. Last evaluated: 2025-03-31. Review status: criteria provided, single submitter. Criteria: Ambry Variant Classification Scheme 2023. Collection method: clinical testing. Allele origin: germline.

GeneDx
Classification: Uncertain significance. Last evaluated: 2022-12-01. Review status: criteria provided, single submitter. Criteria: GeneDx Variant Classification Process June 2021. Collection method: clinical testing. Allele origin: germline. Affected: yes.
Comment: Not observed at significant frequency in large population cohorts (gnomAD); In silico analysis supports that this missense variant does not alter protein structure/function; Has not been previously published as pathogenic or benign to our knowledge

NM_000052.7(ATP7A):c.1376C>T (p.Ser459Leu)

Gene: ATP7A (ATPase copper transporting alpha; plus strand). Cytogenetic location: Xq21.1.
Variant type: single nucleotide variant.
Coding change: c.1376C>T on transcript NM_000052.7 (MANE Select); coding-DNA position 1376, C replaced by T.
Protein change: p.Ser459Leu; replaces serine 459 with leucine.
Molecular consequence: missense variant.
Genome position (GRCh38, 1-based): chrX:77,998,517, C>T. VCF-style: chrX-77998517-C-T. GRCh37 (hg19) VCF-style: chrX-77254014-C-T.
Other names: c.1376C>T (NM_000052.4); c.1376C>T, p.Ser459Leu (NM_001282224.2); short protein forms S459L.
Identifiers: ClinVar variation 1517336 (VCV001517336.8), dbSNP rs1557232786, ClinGen allele CA413594159.